The following is an entry in ClinVar:

ClinVar aggregate classification (germline): Uncertain significance (1 of 4 stars; one submission).

gnomAD v4.1: 2 of 1,613,956 alleles (0.00012%); highest among the groups gnomAD compares: South Asian, 0.0011%; no homozygotes.

Submission:

Labcorp Genetics (formerly Invitae), Labcorp
Classification: Uncertain significance. Last evaluated: 2025-02-17. Review status: criteria provided, single submitter. Criteria: Invitae Variant Classification Sherloc (09022015). Collection method: clinical testing. Allele origin: germline.
Comment: This sequence change replaces glutamine, which is neutral and polar, with arginine, which is basic and polar, at codon 234 of the PAX4 protein (p.Gln234Arg). This variant is not present in population databases (gnomAD no frequency). This variant has not been reported in the literature in individuals affected with PAX4-related conditions. An algorithm developed to predict the effect of missense changes on protein structure and function outputs the following: PolyPhen-2: "Benign". The arginine amino acid residue is found in multiple mammalian species, which suggests that this missense change does not adversely affect protein function. In summary, the available evidence is currently insufficient to determine the role of this variant in disease. Therefore, it has been classified as a Variant of Uncertain Significance.

NM_001366110.1(PAX4):c.725A>G (p.Gln242Arg)

Gene: PAX4 (paired box 4; minus strand). Cytogenetic location: 7q32.1.
Variant type: single nucleotide variant.
Coding change: c.725A>G on transcript NM_001366110.1 (MANE Select); coding-DNA position 725, A replaced by G.
Protein change: p.Gln242Arg; replaces glutamine 242 with arginine.
Molecular consequence: missense variant.
Genome position (GRCh38, 1-based): chr7:127,611,991, T>C on the plus strand (A>G on the coding strand, the complement: PAX4 is on the minus strand). VCF-style: chr7-127611991-T-C. GRCh37 (hg19) VCF-style: chr7-127252045-T-C.
Other names: c.725A>G, p.Gln242Arg (NM_001366111.1); short protein forms Q242R.
Identifiers: ClinVar variation 4810532 (VCV004810532.1).